The following is an entry in ClinVar:

ClinVar aggregate classification (germline): Likely pathogenic. Review status: criteria provided, multiple submitters, no conflicts (2 of 4 stars). 2 submissions from 2 submitters: Likely pathogenic (2). Last evaluated 2021-10-20.

Conditions:
MED12-Related Disorders. Also called: MED12-related condition; MED12-related disorder. Identifiers: MedGen CN381102.
MED12-related intellectual disability syndrome. Identifiers: MedGen CN305246, MONDO:0100000.

Submissions (2):

Illumina Laboratory Services, Illumina
Classification: Likely pathogenic for MED12-related intellectual disability syndrome. Last evaluated: 2021-10-20. Review status: criteria provided, single submitter. Criteria: ICSLVariantClassificationCriteria RUGD 01 April 2020. Collection method: clinical testing. Allele origin: unknown.
Comment: The MED12 c.6439C>A (p.Gln2147Lys) variant is a missense variant. A literature search was performed for the gene, cDNA change, and amino acid change. No publications were found based on this search. This variant is not found in version 2.1.1 or version 3.1.1 of the Genome Aggregation Database despite its location in a region of good sequence coverage, which suggest the variant is rare. This variant was identified in a de novo state. Based on the available evidence, the p.Gln2147Lys variant is classified as likely pathogenic for MED12-related intellectual disability syndrome.

Blueprint Genetics
Classification: Likely pathogenic for MED12-related disorders. Last evaluated: 2020-01-27. Review status: criteria provided, single submitter. Criteria: ACMG Guidelines, 2015. Collection method: clinical testing. Allele origin: germline. Affected: yes. Observed: 1 variant allele.

NM_005120.3(MED12):c.6439C>A (p.Gln2147Lys)

Gene: MED12 (mediator complex subunit 12; plus strand). Cytogenetic location: Xq13.1.
Variant type: single nucleotide variant.
Coding change: c.6439C>A on transcript NM_005120.3 (MANE Select); coding-DNA position 6439, C replaced by A.
Protein change: p.Gln2147Lys; replaces glutamine 2147 with lysine.
Molecular consequence: missense variant.
Genome position (GRCh38, 1-based): chrX:71,141,913, C>A. VCF-style: chrX-71141913-C-A. GRCh37 (hg19) VCF-style: chrX-70361763-C-A.
Other names: short protein forms Q2147K.
Identifiers: ClinVar variation 1328125 (VCV001328125.5), dbSNP rs863223699, ClinGen allele CA324498.
Genomic context (GRCh38, chrX:71,141,913, plus strand): 5'-TTCAGTCTTCCACTTCCTATTTCCACCCAGTTCCAGCGCCAGGGGCTTCAGCAGACCCAG[C>A]AGCAGCAACAGACAGCAGCTTTGGTCCGGCAACTTCAACAACAGCTCTCTAGTAAGCCTG-3'
Protein context (NP_005111.2, residues 2137-2157): FQRQGLQQTQ[Gln2147Lys]QQQTAALVRQ